The following is an entry in ClinVar:

NM_001372066.1(TFAP2A):c.752T>G (p.Leu251Arg)

Genes: TFAP2A (transcription factor AP-2 alpha; minus strand), TFAP2A-AS2 (TFAP2A antisense RNA 2; plus strand), LOC121740638 (BRD4-independent group 4 enhancer GRCh37_chr6:10403277-10404476; plus strand). Cytogenetic location: 6p24.3.
Variant type: single nucleotide variant.
Coding change: c.752T>G on transcript NM_001372066.1 (MANE Select); coding-DNA position 752, T replaced by G.
Protein change: p.Leu251Arg; replaces leucine 251 with arginine.
Molecular consequence: missense variant. On other transcripts: non-coding transcript variant (1).
Genome position (GRCh38, 1-based): chr6:10,404,526, A>C on the plus strand (T>G on the coding strand, the complement: TFAP2A is on the minus strand). VCF-style: chr6-10404526-A-C. GRCh37 (hg19) VCF-style: chr6-10404759-A-C.
Other names: c.728T>G, p.Leu243Arg (NM_001032280.3); c.734T>G, p.Leu245Arg (NM_001042425.3); short protein forms L243R, L245R, L251R.
Identifiers: ClinVar variation 2682209 (VCV002682209.1), dbSNP rs1581262652, ClinGen allele CA362701168.
Genomic context (GRCh38, chr6:10,404,526, plus strand): 5'-CCGGCCGCGGGGCGGGGCGGGCGGGGCCGTGCCGGGCCTCACCTCCGGAGCACTCCGCCC[A>C]GCAGCGACGCGTTGAGACACTCGGGTGGTGAGAGCCGCCGCTGCACTTCCGCCACCGTGA-3'
Protein context (NP_001358995.1, residues 241-261): SPPECLNASL[Leu251Arg]GGVLRRAKSK

ClinVar aggregate classification (germline): Uncertain significance (1 of 4 stars; one submission).

Submission:

Women's Health and Genetics/Laboratory Corporation of America, LabCorp
Classification: Uncertain significance. Last evaluated: 2023-11-21. Review status: criteria provided, single submitter. Criteria: LabCorp Variant Classification Summary - May 2015. Collection method: clinical testing. Allele origin: germline.
Comment: Variant summary: TFAP2A c.728T>G (p.Leu243Arg) results in a non-conservative amino acid change located in the Transcription factor AP-2, C-terminal (IPR013854) of the encoded protein sequence. Four of five in-silico tools predict a damaging effect of the variant on protein function. The variant was absent in 241506 control chromosomes (gnomAD). The available data on variant occurrences in the general population are insufficient to allow any conclusion about variant significance. To our knowledge, no occurrence of c.728T>G in individuals affected with Branchiooculofacial Syndrome and no experimental evidence demonstrating its impact on protein function have been reported. No submitters have cited clinical-significance assessments for this variant to ClinVar after 2014. Based on the evidence outlined above, the variant was classified as uncertain significance.